The following is an entry in ClinVar:

NM_012238.5(SIRT1):c.86C>T (p.Ala29Val)

Genes: SIRT1 (sirtuin 1; plus strand), LOC107832851 (SIRT1 promoter region; plus strand). Cytogenetic location: 10q21.3.
Variant type: single nucleotide variant.
Coding change: c.86C>T on transcript NM_012238.5 (MANE Select); coding-DNA position 86, C replaced by T.
Protein change: p.Ala29Val; replaces alanine 29 with valine.
Molecular consequence: missense variant.
Genome position (GRCh38, 1-based): chr10:67,884,807, C>T. VCF-style: chr10-67884807-C-T. GRCh37 (hg19) VCF-style: chr10-69644565-C-T.
Other names: short protein forms A29V.
Identifiers: ClinVar variation 4779390 (VCV004779390.1).

ClinVar aggregate classification (germline): Uncertain significance (1 of 4 stars; one submission).

Submission:

Labcorp Genetics (formerly Invitae), Labcorp
Classification: Uncertain significance. Last evaluated: 2025-08-10. Review status: criteria provided, single submitter. Criteria: Invitae Variant Classification Sherloc (09022015). Collection method: clinical testing. Allele origin: germline.
Comment: This sequence change replaces alanine, which is neutral and non-polar, with valine, which is neutral and non-polar, at codon 29 of the SIRT1 protein (p.Ala29Val). This variant is not present in population databases (gnomAD no frequency). This variant has not been reported in the literature in individuals affected with SIRT1-related conditions. An algorithm developed to predict the effect of missense changes on protein structure and function outputs the following: PolyPhen-2: "Possibly Damaging". The valine amino acid residue is found in multiple mammalian species, which suggests that this missense change does not adversely affect protein function. In summary, the available evidence is currently insufficient to determine the role of this variant in disease. Therefore, it has been classified as a Variant of Uncertain Significance.